The following is an entry in ClinVar:

NM_012186.3(FOXE3):c.709C>T (p.Pro237Ser)

Genes: FOXE3 (forkhead box E3; plus strand), LINC01389 (long independently transcribed non-coding RNA 1389; minus strand). Cytogenetic location: 1p33.
Variant type: single nucleotide variant.
Coding change: c.709C>T on transcript NM_012186.3 (MANE Select); coding-DNA position 709, C replaced by T.
Protein change: p.Pro237Ser; replaces proline 237 with serine.
Molecular consequence: missense variant.
Genome position (GRCh38, 1-based): chr1:47,417,024, C>T. VCF-style: chr1-47417024-C-T. GRCh37 (hg19) VCF-style: chr1-47882696-C-T.
Other names: short protein forms P237S.
Identifiers: ClinVar variation 940300 (VCV000940300.10), dbSNP rs1646888724, ClinGen allele CA340250560.

ClinVar aggregate classification (germline): Uncertain significance (1 of 4 stars; one submission).

Conditions:
Congenital primary aphakia. Also called: Anterior segment dysgenesis 2, multiple subtypes; ANTERIOR SEGMENT DYSGENESIS 2. Identifiers: Orphanet 83461, MedGen C1853230, MONDO:0012456, OMIM 610256.
Anterior segment dysgenesis. Also called: Ocular anterior segment dysgenesis. Identifiers: Orphanet 88632, MedGen C1862839, MONDO:0019503, HP:0007700.

Submission:

Labcorp Genetics (formerly Invitae), Labcorp
Classification: Uncertain significance for Anterior segment dysgenesis; Congenital primary aphakia. Last evaluated: 2022-10-17. Review status: criteria provided, single submitter. Criteria: Invitae Variant Classification Sherloc (09022015). Collection method: clinical testing. Allele origin: germline.
Comment: Advanced modeling of protein sequence and biophysical properties (such as structural, functional, and spatial information, amino acid conservation, physicochemical variation, residue mobility, and thermodynamic stability) performed at Invitae indicates that this missense variant is not expected to disrupt FOXE3 protein function. In summary, the available evidence is currently insufficient to determine the role of this variant in disease. Therefore, it has been classified as a Variant of Uncertain Significance. ClinVar contains an entry for this variant (Variation ID: 940300). This variant has not been reported in the literature in individuals affected with FOXE3-related conditions. This variant is not present in population databases (gnomAD no frequency). This sequence change replaces proline, which is neutral and non-polar, with serine, which is neutral and polar, at codon 237 of the FOXE3 protein (p.Pro237Ser).